The following is an entry in ClinVar:

NM_006267.5(RANBP2):c.3934G>A (p.Val1312Ile)

Gene: RANBP2 (RAN binding protein 2; plus strand). Cytogenetic location: 2q13.
Variant type: single nucleotide variant.
Coding change: c.3934G>A on transcript NM_006267.5 (MANE Select); coding-DNA position 3934, G replaced by A.
Protein change: p.Val1312Ile; replaces valine 1312 with isoleucine.
Molecular consequence: missense variant.
Genome position (GRCh38, 1-based): chr2:108,764,473, G>A. VCF-style: chr2-108764473-G-A. GRCh37 (hg19) VCF-style: chr2-109380929-G-A.
Other names: short protein forms V1312I.
Identifiers: ClinVar variation 383048 (VCV000383048.9), dbSNP rs372722891, ClinGen allele CA1823014.

ClinVar aggregate classification (germline): Conflicting classifications of pathogenicity. Review status: criteria provided, conflicting classifications (1 of 4 stars). 4 submissions from 4 submitters: Uncertain significance (2); Likely benign (2). Last evaluated 2024-11-06.

Conditions:
Familial acute necrotizing encephalopathy (IIAE3). Also called: ENCEPHALOPATHY, ACUTE, INFECTION-INDUCED, SUSCEPTIBILITY TO, 3; Susceptibility to Acute Necrotizing Encephalopathy 1. Identifiers: Orphanet 88619, MedGen C2675556, MONDO:0011953, OMIM 608033.

Allele frequency attached by ClinVar (database versions not stated): gnomAD exomes 0.00001 and 0.00003; ExAC 0.00005; TOPMed 0.00010; gnomAD 0.00011 and 0.00012.
gnomAD v4.1: 75 of 1,614,000 alleles (0.0046%); highest among the groups gnomAD compares: East Asian, 0.036%; 2 homozygotes.

Submissions (4):

Blueprint Genetics
Classification: Likely benign. Last evaluated: 2024-11-06. Review status: criteria provided, single submitter. Criteria: ACMG Guidelines, 2015. Collection method: clinical testing. Allele origin: germline.

Ambry Genetics
Classification: Uncertain significance. Last evaluated: 2023-12-14. Review status: criteria provided, single submitter. Criteria: Ambry Variant Classification Scheme 2023. Collection method: clinical testing. Allele origin: germline.

Labcorp Genetics (formerly Invitae), Labcorp
Classification: Uncertain significance for Familial acute necrotizing encephalopathy. Last evaluated: 2023-08-04. Review status: criteria provided, single submitter. Criteria: Invitae Variant Classification Sherloc (09022015). Collection method: clinical testing. Allele origin: germline.
Comment: Algorithms developed to predict the effect of missense changes on protein structure and function output the following: SIFT: "Not Available"; PolyPhen-2: "Benign"; Align-GVGD: "Not Available". The isoleucine amino acid residue is found in multiple mammalian species, which suggests that this missense change does not adversely affect protein function. In summary, the available evidence is currently insufficient to determine the role of this variant in disease. Therefore, it has been classified as a Variant of Uncertain Significance. ClinVar contains an entry for this variant (Variation ID: 383048). This variant has not been reported in the literature in individuals affected with RANBP2-related conditions. The frequency data for this variant in the population databases is considered unreliable, as metrics indicate poor data quality at this position in the gnomAD database. This sequence change replaces valine, which is neutral and non-polar, with isoleucine, which is neutral and non-polar, at codon 1312 of the RANBP2 protein (p.Val1312Ile).

GeneDx
Classification: Likely benign. Last evaluated: 2016-03-07. Review status: criteria provided, single submitter. Criteria: GeneDx Variant Classification (06012015). Collection method: clinical testing. Allele origin: germline. Affected: yes.
Comment: This variant is considered likely benign or benign based on one or more of the following criteria: it is a conservative change, it occurs at a poorly conserved position in the protein, it is predicted to be benign by multiple in silico algorithms, and/or has population frequency not consistent with disease.